The following is an entry in ClinVar:

NM_000069.3(CACNA1S):c.5049-6T>A

Gene: CACNA1S (calcium voltage-gated channel subunit alpha1 S; minus strand). Cytogenetic location: 1q32.1.
Variant type: single nucleotide variant.
Coding change: c.5049-6T>A on transcript NM_000069.3 (MANE Select); 6 bases into the intron before coding-DNA position 5049, T replaced by A.
Molecular consequence: intron variant.
Genome position (GRCh38, 1-based): chr1:201,041,595, A>T on the plus strand (T>A on the coding strand, the complement: CACNA1S is on the minus strand). VCF-style: chr1-201041595-A-T. GRCh37 (hg19) VCF-style: chr1-201010723-A-T.
Identifiers: ClinVar variation 2933254 (VCV002933254.4), dbSNP rs372192645, ClinGen allele CA2649758519.

ClinVar aggregate classification (germline): Uncertain significance. Review status: criteria provided, multiple submitters, no conflicts (2 of 4 stars). 2 submissions from 2 submitters: Uncertain significance (2). Last evaluated 2025-06-04.

Conditions:
Malignant hyperthermia, susceptibility to, 5 (MHS5). Also called: CACNA1S-Related Malignant Hyperthermia Susceptibility. Identifiers: Orphanet 423, MedGen C1866077, MONDO:0011163, OMIM 601887.
Hypokalemic periodic paralysis, type 1. Also called: HypoPP; Hypokalemic Periodic Paralysis Type 1 (AD). Identifiers: Orphanet 681, MedGen C3714580, MONDO:0042979, OMIM 170400.

gnomAD v4.1: 1 of 1,609,318 alleles (0.000062%); highest among the groups gnomAD compares: Non-Finnish European, 0.000085%; no homozygotes.

Submissions (2):

Labcorp Genetics (formerly Invitae), Labcorp
Classification: Uncertain significance for Hypokalemic periodic paralysis, type 1; Malignant hyperthermia, susceptibility to, 5. Last evaluated: 2025-06-04. Review status: criteria provided, single submitter. Criteria: Invitae Variant Classification Sherloc (09022015). Collection method: clinical testing. Allele origin: germline.
Comment: This sequence change falls in intron 40 of the CACNA1S gene. It does not directly change the encoded amino acid sequence of the CACNA1S protein. This variant is not present in population databases (gnomAD no frequency). This variant has not been reported in the literature in individuals affected with CACNA1S-related conditions. ClinVar contains an entry for this variant (Variation ID: 2933254). Algorithms developed to predict the effect of sequence changes on RNA splicing suggest that this variant may disrupt the consensus splice site. In summary, the available evidence is currently insufficient to determine the role of this variant in disease. Therefore, it has been classified as a Variant of Uncertain Significance.

All of Us Research Program, National Institutes of Health
Classification: Uncertain significance for Malignant hyperthermia, susceptibility to, 5. Last evaluated: 2022-12-07. Review status: criteria provided, single submitter. Criteria: ACMG Guidelines, 2015. Collection method: clinical testing. Allele origin: germline. Inheritance: Autosomal dominant inheritance. Observed: 1 variant allele, 1 heterozygote.
Comment: This variant causes a T to A nucleotide substitution at the -6 position of intron 40 of the CACNA1S gene. To our knowledge, functional studies have not been reported for this variant. This variant has not been reported in individuals affected with malignant hyperthermia in the literature. This variant has not been identified in the general population by the Genome Aggregation Database (gnomAD). The available evidence is insufficient to determine the role of this variant in disease conclusively. Therefore, this variant is classified as a Variant of Uncertain Significance.

This study involves interpretation of variants in research participants for the purpose of population health screening. Participant phenotype was not available at the time of variant classification. Additional details can be found in publication PMID: 35346344, PMCID: PMC8962531